The following is an entry in ClinVar:

ClinVar aggregate classification (germline): Uncertain significance (1 of 4 stars; one submission).

Conditions:
Neuropathy, hereditary sensory and autonomic, type 2A (HSAN2A). Also called: HSAN IIA; WNK1-Related HSAN2 (HSAN2A); ACROOSTEOLYSIS, GIACCAI TYPE; ACROOSTEOLYSIS, NEUROGENIC; MORVAN DISEASE; NEUROPATHY, CONGENITAL SENSORY. Identifiers: Orphanet 970, MedGen C2752089, MONDO:0024309, OMIM 201300.
Generalized epilepsy with febrile seizures plus, type 7 (GEFSP7). Also called: GEFS+, TYPE 7. Identifiers: Orphanet 36387, MedGen C2751778, MONDO:0013470, OMIM 613863.

Submission:

Labcorp Genetics (formerly Invitae), Labcorp
Classification: Uncertain significance for Neuropathy, hereditary sensory and autonomic, type 2A; Generalized epilepsy with febrile seizures plus, type 7. Last evaluated: 2023-03-17. Review status: criteria provided, single submitter. Criteria: Invitae Variant Classification Sherloc (09022015). Collection method: clinical testing. Allele origin: germline.
Comment: This sequence change replaces lysine, which is basic and polar, with glutamic acid, which is acidic and polar, at codon 272 of the SCN9A protein (p.Lys272Glu). In summary, the available evidence is currently insufficient to determine the role of this variant in disease. Therefore, it has been classified as a Variant of Uncertain Significance. Advanced modeling of protein sequence and biophysical properties (such as structural, functional, and spatial information, amino acid conservation, physicochemical variation, residue mobility, and thermodynamic stability) performed at Invitae indicates that this missense variant is not expected to disrupt SCN9A protein function. This variant has not been reported in the literature in individuals affected with SCN9A-related conditions. This variant is not present in population databases (gnomAD no frequency).

NM_001365536.1(SCN9A):c.814A>G (p.Lys272Glu)

Gene: SCN9A (sodium voltage-gated channel alpha subunit 9; minus strand). Cytogenetic location: 2q24.3.
Variant type: single nucleotide variant.
Coding change: c.814A>G on transcript NM_001365536.1 (MANE Select); coding-DNA position 814, A replaced by G.
Protein change: p.Lys272Glu; replaces lysine 272 with glutamic acid.
Molecular consequence: missense variant.
Genome position (GRCh38, 1-based): chr2:166,303,177, T>C on the plus strand (A>G on the coding strand, the complement: SCN9A is on the minus strand). VCF-style: chr2-166303177-T-C. GRCh37 (hg19) VCF-style: chr2-167159687-T-C.
Other names: c.814A>G, p.Lys272Glu (NM_002977.4); short protein forms K272E.
Identifiers: ClinVar variation 2945396 (VCV002945396.3), dbSNP rs1553495152, ClinGen allele CA349092700.